The following is an entry in ClinVar:

NM_000051.4(ATM):c.8419-14T>C

Genes: ATM (ATM serine/threonine kinase; plus strand), C11orf65 (chromosome 11 open reading frame 65; minus strand). Cytogenetic location: 11q22.3.
Variant type: single nucleotide variant.
Coding change: c.8419-14T>C on transcript NM_000051.4 (MANE Select); 14 bases into the intron before coding-DNA position 8419, T replaced by C.
Molecular consequence: intron variant.
Genome position (GRCh38, 1-based): chr11:108,345,729, T>C. VCF-style: chr11-108345729-T-C. GRCh37 (hg19) VCF-style: chr11-108216456-T-C.
Other names: c.8419-14T>C (NM_001351834.2); c.641-36658A>G (NM_001330368.2); c.695-10437A>G (NM_001351110.2).
Identifiers: ClinVar variation 1610797 (VCV001610797.9), dbSNP rs1441150092, ClinGen allele CA602132874.

ClinVar aggregate classification (germline): Likely benign. Review status: criteria provided, multiple submitters, no conflicts (2 of 4 stars). 2 submissions from 2 submitters: Likely benign (2). Last evaluated 2025-02-05.

Conditions:
Ataxia-telangiectasia syndrome (AT). Also called: LOUIS-BAR SYNDROME; Cerebello-oculocutaneous telangiectasia; Immunodeficiency with ataxia telangiectasia; Ataxia telangiectasia (A-T); Ataxia-telangiectasia, complementation group D; AT, COMPLEMENTATION GROUP C. Identifiers: Orphanet 100, MedGen C0004135, MONDO:0008840, OMIM 208900.
Familial cancer of breast. Also called: BREAST CANCER, FAMILIAL; Hereditary breast cancer; hereditary breast carcinoma. Identifiers: Orphanet 227535, MedGen C0346153, MONDO:0016419, OMIM 114480. Disease mechanism: loss of function.

Allele frequency attached by ClinVar (database versions not stated): gnomAD exomes below 0.00001.
gnomAD v4.1: 1 of 1,547,668 alleles (0.000065%); highest among the groups gnomAD compares: Admixed American, 0.0017%; no homozygotes.

Submissions (2):

Labcorp Genetics (formerly Invitae), Labcorp
Classification: Likely benign for Ataxia-telangiectasia syndrome. Last evaluated: 2025-02-05. Review status: criteria provided, single submitter. Criteria: Invitae Variant Classification Sherloc (09022015). Collection method: clinical testing. Allele origin: germline.

Myriad Genetics, Inc.
Classification: Likely benign for Familial cancer of breast. Last evaluated: 2024-06-19. Review status: criteria provided, single submitter. Criteria: Myriad Autosomal Dominant, Autosomal Recessive and X-Linked Classification Criteria (2023). Collection method: clinical testing. Allele origin: unknown.
Comment: This variant is considered likely benign. This variant is intronic and is not expected to impact mRNA splicing.